The following is an entry in ClinVar:

ClinVar aggregate classification (germline): Uncertain significance (1 of 4 stars; one submission).

Conditions:
Autosomal recessive distal spinal muscular atrophy 1. Also called: Spinal muscular atrophy with respiratory distress 1; HMN VI; NEURONOPATHY, SEVERE INFANTILE AXONAL, WITH RESPIRATORY FAILURE; SEVERE INFANTILE AXONAL NEUROPATHY WITH RESPIRATORY FAILURE; SPINAL MUSCULAR ATROPHY, DIAPHRAGMATIC; NEURONOPATHY, DISTAL HEREDITARY MOTOR, HARDING TYPE VI. Identifiers: Orphanet 98920, MedGen C1858517, MONDO:0011436, OMIM 604320.
Charcot-Marie-Tooth disease axonal type 2S. Also called: CHARCOT-MARIE-TOOTH NEUROPATHY, TYPE 2S; CHARCOT-MARIE-TOOTH DISEASE, AXONAL, AUTOSOMAL RECESSIVE, TYPE 2S. Identifiers: Orphanet 443073, MedGen C4015349, MONDO:0014511, OMIM 616155.

Allele frequency attached by ClinVar (database versions not stated): gnomAD exomes below 0.00001; ExAC 0.00001.
gnomAD v4.1: 2 of 1,614,104 alleles (0.00012%); highest among the groups gnomAD compares: Non-Finnish European, 0.00017%; no homozygotes.

Submission:

Labcorp Genetics (formerly Invitae), Labcorp
Classification: Uncertain significance for Autosomal recessive distal spinal muscular atrophy 1; Charcot-Marie-Tooth disease axonal type 2S. Last evaluated: 2019-07-12. Review status: criteria provided, single submitter. Criteria: Invitae Variant Classification Sherloc (09022015). Collection method: clinical testing. Allele origin: germline.
Comment: In summary, the available evidence is currently insufficient to determine the role of this variant in disease. Therefore, it has been classified as a Variant of Uncertain Significance. Algorithms developed to predict the effect of missense changes on protein structure and function (SIFT, PolyPhen-2, Align-GVGD) all suggest that this variant is likely to be tolerated, but these predictions have not been confirmed by published functional studies and their clinical significance is uncertain. This variant has not been reported in the literature in individuals with IGHMBP2-related conditions. This variant is present in population databases (rs777841793, ExAC 0.001%). This sequence change replaces aspartic acid with alanine at codon 594 of the IGHMBP2 protein (p.Asp594Ala). The aspartic acid residue is moderately conserved and there is a moderate physicochemical difference between aspartic acid and alanine.

NM_002180.3(IGHMBP2):c.1781A>C (p.Asp594Ala)

Gene: IGHMBP2 (immunoglobulin mu DNA binding protein 2; plus strand). Cytogenetic location: 11q13.3.
Variant type: single nucleotide variant.
Coding change: c.1781A>C on transcript NM_002180.3 (MANE Select); coding-DNA position 1781, A replaced by C.
Protein change: p.Asp594Ala; replaces aspartic acid 594 with alanine.
Molecular consequence: missense variant.
Genome position (GRCh38, 1-based): chr11:68,936,261, A>C. VCF-style: chr11-68936261-A-C. GRCh37 (hg19) VCF-style: chr11-68703729-A-C.
Other names: short protein forms D594A.
Identifiers: ClinVar variation 950686 (VCV000950686.10), dbSNP rs777841793, ClinGen allele CA6153776.